The following is an entry in ClinVar:

NM_006084.5(IRF9):c.874C>T (p.Arg292Cys)

Gene: IRF9 (interferon regulatory factor 9; plus strand). Cytogenetic location: 14q12.
Variant type: single nucleotide variant.
Coding change: c.874C>T on transcript NM_006084.5 (MANE Select); coding-DNA position 874, C replaced by T.
Protein change: p.Arg292Cys; replaces arginine 292 with cysteine.
Molecular consequence: missense variant. On other transcripts: intron variant (1).
Genome position (GRCh38, 1-based): chr14:24,164,838, C>T. VCF-style: chr14-24164838-C-T. GRCh37 (hg19) VCF-style: chr14-24634047-C-T.
Other names: c.901C>T, p.Arg301Cys (NM_001385400.1, NM_001385401.1); c.650-39C>T (NM_001385402.1); short protein forms R292C, R301C.
Identifiers: ClinVar variation 2863328 (VCV002863328.3), dbSNP rs1452927917, ClinGen allele CA389209763.

ClinVar aggregate classification (germline): Uncertain significance (1 of 4 stars; one submission).

Allele frequency attached by ClinVar (database versions not stated): gnomAD exomes 0.00002; TOPMed 0.00002; gnomAD 0.00002.
gnomAD v4.1: 31 of 1,610,148 alleles (0.0019%); highest among the groups gnomAD compares: Non-Finnish European, 0.0025%; no homozygotes.

Submission:

Labcorp Genetics (formerly Invitae), Labcorp
Classification: Uncertain significance. Last evaluated: 2025-11-11. Review status: criteria provided, single submitter. Criteria: Invitae Variant Classification Sherloc (09022015). Collection method: clinical testing. Allele origin: germline.
Comment: This sequence change replaces arginine, which is basic and polar, with cysteine, which is neutral and slightly polar, at codon 292 of the IRF9 protein (p.Arg292Cys). This variant is present in population databases (no rsID available, gnomAD 0.0009%). This missense change has been observed in individual(s) with IRF9-related conditions (PMID: 30143481). ClinVar contains an entry for this variant (Variation ID: 2863328). An algorithm developed to predict the effect of missense changes on protein structure and function outputs the following: PolyPhen-2: "Benign". The cysteine amino acid residue is found in multiple mammalian species, which suggests that this missense change does not adversely affect protein function. Experimental studies have shown that this missense change affects IRF9 function (PMID: 30143481). In summary, the available evidence is currently insufficient to determine the role of this variant in disease. Therefore, it has been classified as a Variant of Uncertain Significance.

Literature cited by the submitters: PubMed 30143481.